The following is an entry in ClinVar:

NM_018122.5(DARS2):c.127+1G>A

Gene: DARS2 (aspartyl-tRNA synthetase 2, mitochondrial; plus strand). Cytogenetic location: 1q25.1.
Variant type: single nucleotide variant.
Coding change: c.127+1G>A on transcript NM_018122.5 (MANE Select); the canonical splice donor site of the intron after coding-DNA position 127, G replaced by A.
Molecular consequence: splice donor variant.
Genome position (GRCh38, 1-based): chr1:173,825,357, G>A. VCF-style: chr1-173825357-G-A. GRCh37 (hg19) VCF-style: chr1-173794495-G-A.
Other names: c.127+1G>A (NM_001365212.1, NM_001365213.2).
Identifiers: ClinVar variation 224993 (VCV000224993.5), dbSNP rs869312918, ClinGen allele CA358265.

ClinVar aggregate classification (germline): Conflicting classifications of pathogenicity. Review status: criteria provided, conflicting classifications (1 of 4 stars). 2 submissions from 2 submitters: Pathogenic (1); Uncertain significance (1). Last evaluated 2025-01-15.

Conditions:
Inborn genetic diseases. Identifiers: MedGen C0950123, MeSH D030342.
Leukoencephalopathy with brain stem and spinal cord involvement-high lactate syndrome (LBSL). Also called: LEUKOENCEPHALOPATHY WITH BRAINSTEM AND SPINAL CORD INVOLVEMENT AND LACTATE ELEVATION, MILD; Leukoencephalopathy with Brainstem and Spinal Cord Involvement and Lactate Elevation; MITOCHONDRIAL ASPARTYL-tRNA SYNTHETASE DEFICIENCY. Identifiers: Orphanet 137898, MedGen C1970180, MONDO:0012622, OMIM 611105.

gnomAD v4.1: 1 of 1,612,776 alleles (0.000062%); no homozygotes.

Submissions (2):

Broad Center for Mendelian Genomics, Broad Institute of MIT and Harvard
Classification: Uncertain significance for Leukoencephalopathy with brain stem and spinal cord involvement-high lactate syndrome. Last evaluated: 2025-01-15. Review status: criteria provided, single submitter. Criteria: ACMG Guidelines, 2015. Collection method: curation. Allele origin: germline. Inheritance: Autosomal recessive inheritance.
Comment: The c.127+1G>A variant in DARS2 has been reported in 1 individual with leukoencephalopathy with brain stem and spinal cord involvement-high lactate syndrome (PMID: 25356970, 26795593), and has been identified in (1/62378) 0.002% of remaining chromosomes by the Genome Aggregation Database (gnomAD; dbSNP rs869312918). Although this variant has been seen in the general population in the heterozygous state, its frequency is low enough to be consistent with a recessive carrier frequency. This variant has also been reported in ClinVar (Variation ID: 224993) and has been interpreted as pathogenic by Ambry Genetics. This variant is located in the 3' splice region. Computational tools predict both an in-frame and out-of-frame cryptic splice site, providing evidence that this variant may escape NMD or lead to a truncated or absent protein. However, this information is not predictive enough to determine pathogenicity. Loss of function of the DARS2 gene is an established disease mechanism in autosomal recessive leukoencephalopathy with brain stem and spinal cord involvement-high lactate syndrome. In summary, the clinical significance of the c.127+1G>A variant is uncertain. ACMG/AMP Criteria applied: PVS1_strong, PM2_supporting (Richards 2015).

Ambry Genetics
Classification: Pathogenic for Inborn genetic diseases. Last evaluated: 2013-11-12. Review status: criteria provided, single submitter. Criteria: Ambry Autosomal Dominant and X-Linked criteria (10/2015). Collection method: clinical testing. Allele origin: germline. Observed: 1 variant allele.